The following is an entry in ClinVar:

NM_000368.5(TSC1):c.1958T>C (p.Ile653Thr)

Gene: TSC1 (TSC complex subunit 1; minus strand). Cytogenetic location: 9q34.13.
Variant type: single nucleotide variant.
Coding change: c.1958T>C on transcript NM_000368.5 (MANE Select); coding-DNA position 1958, T replaced by C.
Protein change: p.Ile653Thr; replaces isoleucine 653 with threonine.
Molecular consequence: missense variant. On other transcripts: non-coding transcript variant (5).
Genome position (GRCh38, 1-based): chr9:132,905,620, A>G on the plus strand (T>C on the coding strand, the complement: TSC1 is on the minus strand). VCF-style: chr9-132905620-A-G. GRCh37 (hg19) VCF-style: chr9-135781007-A-G.
Other names: c.1802T>C, p.Ile601Thr (NM_001406611.1, NM_001406612.1, NM_001406613.1); c.1595T>C, p.Ile532Thr (NM_001406614.1, NM_001406615.1, NM_001406616.1 and 5 more transcripts); c.1592T>C, p.Ile531Thr (NM_001406620.1, NM_001406621.1, NM_001406622.1 and 2 more transcripts); c.1958T>C, p.Ile653Thr (NM_001406592.1, NM_001406593.1, NM_001406594.1 and 7 more transcripts); c.1955T>C, p.Ile652Thr (NM_001406597.1, NM_001406598.1, NM_001406599.1 and 6 more transcripts); c.1805T>C, p.Ile602Thr (NM_001162427.2, NM_001406610.1); c.1007T>C, p.Ile336Thr (NM_001406626.1); c.1004T>C, p.Ile335Thr (NM_001406627.1, NM_001406628.1); and 1 more; short protein forms I302T, I335T, I336T, I531T, I532T, I601T, I602T, I652T.
Identifiers: ClinVar variation 4866004 (VCV004866004.1).
Genomic context (GRCh38, chr9:132,905,620, plus strand): 5'-GAGAGTGCCCCAGTCCCTTACTTGTTCAGCTCCTTGCTGTGCGCGTCTGCTCCCTGCTGT[A>G]TCAGTCTGTCCAGCACTTCCATTGGGGAGGTAGAGGGCACACCATCTTCCTCTGTGTTTC-3'
Protein context (NP_000359.1, residues 643-663): TSPMEVLDRL[Ile653Thr]QQGADAHSKE

ClinVar aggregate classification (germline): Uncertain significance (1 of 4 stars; one submission).

Conditions:
Hereditary cancer-predisposing syndrome. Also called: Neoplastic Syndromes, Hereditary; Tumor predisposition; Hereditary Cancer Syndrome; Hereditary neoplastic syndrome. Identifiers: Orphanet 140162, MedGen C0027672, MeSH D009386, MONDO:0015356.

Submission:

Ambry Genetics
Classification: Uncertain significance for Hereditary cancer-predisposing syndrome. Last evaluated: 2026-06-08. Review status: criteria provided, single submitter. Criteria: Ambry Variant Classification Scheme 2023. Collection method: clinical testing. Allele origin: germline.
Comment: The p.I653T variant (also known as c.1958T>C), located in coding exon 13 of the TSC1 gene, results from a T to C substitution at nucleotide position 1958. The isoleucine at codon 653 is replaced by threonine, an amino acid with similar properties. This amino acid position is conserved. In addition, the in silico prediction for this alteration is inconclusive. Based on the available evidence, the clinical significance of this variant remains unclear.